The following is an entry in ClinVar:

ClinVar aggregate classification (germline): Uncertain significance. Review status: no assertion criteria provided (0 of 4 stars). 2 submissions from 1 submitter: Uncertain significance (1). 1 of the submissions does not count toward it.

Allele frequency attached by ClinVar (database versions not stated): ExAC 0.00027.

Submissions (2):

Richard Lifton Laboratory, Yale University School of Medicine
Classification: Uncertain significance. Review status: no assertion criteria provided. Collection method: not provided. Allele origin: somatic.
Comment: SLC6A19:p.F514V
ClinVar note: Converted during submission from unknown to Uncertain significance.

Richard Lifton Laboratory, Yale University School of Medicine
Classification: Uncertain significance. Review status: flagged submission. Collection method: not provided. Allele origin: somatic. Not counted in ClinVar's aggregate classification.
ClinVar note: Converted during submission from unknown to Uncertain significance.
ClinVar note: Reason: This record appears to be redundant with a more recent record from the same submitter.
ClinVar note: Notes: SCV000120038 appears to be redundant with SCV000155141.

NM_001003841.3(SLC6A19):c.1540T>G (p.Phe514Val)

Gene: SLC6A19 (solute carrier family 6 member 19; plus strand). Cytogenetic location: 5p15.33.
Variant type: single nucleotide variant.
Coding change: c.1540T>G on transcript NM_001003841.3 (MANE Select); coding-DNA position 1540, T replaced by G.
Protein change: p.Phe514Val; replaces phenylalanine 514 with valine.
Molecular consequence: missense variant.
Genome position (GRCh38, 1-based): chr5:1,221,152, T>G. VCF-style: chr5-1221152-T-G. GRCh37 (hg19) VCF-style: chr5-1221267-T-G.
Other names: short protein forms F514V.
Identifiers: ClinVar variation 100818 (VCV000100818.2), dbSNP rs483352699, ClinGen allele CA229057.